The following is an entry in ClinVar:

ClinVar aggregate classification (germline): Uncertain significance (1 of 4 stars; one submission).

Conditions:
Bardet-Biedl syndrome (BBS). Identifiers: Orphanet 110, MedGen C0752166, MONDO:0015229.
McKusick-Kaufman syndrome (MKKS). Also called: HYDROMETROCOLPOS, POSTAXIAL POLYDACTYLY, AND CONGENITAL HEART MALFORMATION; HYDROMETROCOLPOS SYNDROME. Identifiers: Orphanet 2473, MedGen C0948368, MONDO:0009367, OMIM 236700.

gnomAD v4.1: 1 of 1,614,152 alleles (0.000062%); highest among the groups gnomAD compares: Non-Finnish European, 0.000085%; no homozygotes.

Submission:

Labcorp Genetics (formerly Invitae), Labcorp
Classification: Uncertain significance for McKusick-Kaufman syndrome; Bardet-Biedl syndrome. Last evaluated: 2019-11-19. Review status: criteria provided, single submitter. Criteria: Invitae Variant Classification Sherloc (09022015). Collection method: clinical testing. Allele origin: germline.
Comment: This variant has not been reported in the literature in individuals with MKKS-related conditions. This variant is not present in population databases (ExAC no frequency). This sequence change replaces valine with phenylalanine at codon 266 of the MKKS protein (p.Val266Phe). The valine residue is highly conserved and there is a small physicochemical difference between valine and phenylalanine. Algorithms developed to predict the effect of missense changes on protein structure and function are either unavailable or do not agree on the potential impact of this missense change (SIFT: "Deleterious"; PolyPhen-2: "Possibly Damaging"; Align-GVGD: "Class C0"). In summary, the available evidence is currently insufficient to determine the role of this variant in disease. Therefore, it has been classified as a Variant of Uncertain Significance.

NM_170784.3(MKKS):c.796G>T (p.Val266Phe)

Gene: MKKS (MKKS centrosomal shuttling protein; minus strand). Cytogenetic location: 20p12.2.
Variant type: single nucleotide variant.
Coding change: c.796G>T on transcript NM_170784.3 (MANE Select); coding-DNA position 796, G replaced by T.
Protein change: p.Val266Phe; replaces valine 266 with phenylalanine.
Molecular consequence: missense variant.
Genome position (GRCh38, 1-based): chr20:10,412,719, C>A on the plus strand (G>T on the coding strand, the complement: MKKS is on the minus strand). VCF-style: chr20-10412719-C-A. GRCh37 (hg19) VCF-style: chr20-10393367-C-A.
Other names: c.796G>T, p.Val266Phe (NM_018848.3); short protein forms V266F.
Identifiers: ClinVar variation 843113 (VCV000843113.9), dbSNP rs2064899855, ClinGen allele CA408232335.
Genomic context (GRCh38, chr20:10,412,719, plus strand): 5'-CACTGATTAGCTGCCTTCCTAGGTTAAGCAGCTGGTCCAAGACTGCATTTTCAAGAGAAA[C>A]CCCATAACTGACCACCACAGTTCCTTCTCCAGTGTCAGAAGTGTCTCCGGATAAAGTTGT-3'
Protein context (NP_740754.1, residues 256-276): GEGTVVVSYG[Val266Phe]SLENAVLDQL